The following is an entry in ClinVar:

ClinVar aggregate classification (germline): Uncertain significance (1 of 4 stars; one submission).

Conditions:
Idiopathic generalized epilepsy. Also called: EIG; Generalised epilepsy. Identifiers: MedGen C0270850, MONDO:0005579, OMIM 600669.
Hyperaldosteronism, familial, type IV (HALD4). Also called: FH IV; ALDOSTERONISM, PRIMARY, AND HYPERTENSION. Identifiers: Orphanet 642671, MedGen C4310756, MONDO:0014875, OMIM 617027.

Allele frequency attached by ClinVar (database versions not stated): gnomAD exomes below 0.00001 and 0.00002; gnomAD 0.00001; TOPMed 0.00001; ExAC 0.00003.

Submission:

Labcorp Genetics (formerly Invitae), Labcorp
Classification: Uncertain significance for Idiopathic generalized epilepsy; Hyperaldosteronism, familial, type IV. Last evaluated: 2024-01-08. Review status: criteria provided, single submitter. Criteria: Invitae Variant Classification Sherloc (09022015). Collection method: clinical testing. Allele origin: germline.
Comment: This sequence change replaces lysine, which is basic and polar, with glutamic acid, which is acidic and polar, at codon 1643 of the CACNA1H protein (p.Lys1643Glu). This variant is present in population databases (rs766396848, gnomAD 0.003%). This variant has not been reported in the literature in individuals affected with CACNA1H-related conditions. ClinVar contains an entry for this variant (Variation ID: 1046875). An algorithm developed to predict the effect of missense changes on protein structure and function (PolyPhen-2) suggests that this variant is likely to be disruptive. In summary, the available evidence is currently insufficient to determine the role of this variant in disease. Therefore, it has been classified as a Variant of Uncertain Significance.

NM_021098.3(CACNA1H):c.4927A>G (p.Lys1643Glu)

Gene: CACNA1H (calcium voltage-gated channel subunit alpha1 H; plus strand). Cytogenetic location: 16p13.3.
Variant type: single nucleotide variant.
Coding change: c.4927A>G on transcript NM_021098.3 (MANE Select); coding-DNA position 4927, A replaced by G.
Protein change: p.Lys1643Glu; replaces lysine 1643 with glutamic acid.
Molecular consequence: missense variant.
Genome position (GRCh38, 1-based): chr16:1,213,929, A>G. VCF-style: chr16-1213929-A-G. GRCh37 (hg19) VCF-style: chr16-1263929-A-G.
Other names: c.4909A>G, p.Lys1637Glu (NM_001005407.2); short protein forms K1643E, K1637E.
Identifiers: ClinVar variation 1046875 (VCV001046875.8), dbSNP rs766396848, ClinGen allele CA7801667.